The following is an entry in ClinVar:

NM_024334.3(TMEM43):c.482del (p.Phe161fs)

Gene: TMEM43 (transmembrane protein 43; plus strand). Cytogenetic location: 3p25.1.
Variant type: Deletion.
Coding change: c.482del on transcript NM_024334.3 (MANE Select); coding-DNA position 482, one base deleted (T; older notation c.482delT).
Protein change: p.Phe161fs; shifts the reading frame from phenylalanine 161.
Molecular consequence: frameshift variant.
Genome position (GRCh38, 1-based): chr3:14,132,905, T deleted; the last of 2 consecutive T bases (chr3:14,132,904-14,132,905); deleting either gives the same sequence. VCF-style (leftmost placement, unchanged base first): chr3-14132903-CT-C. GRCh37 (hg19) VCF-style: chr3-14174403-CT-C.
Other names: c.481delT (NM_024334.3); short protein forms F161fs.
Identifiers: ClinVar variation 1394392 (VCV001394392.13), dbSNP rs769722980, ClinGen allele CA053914.
Genomic context (GRCh38, chr3:14,132,903, plus strand): 5'-AGTTGATTCCTCTCCCTGAGCAGACACTGAATGGAGGTCAGAAATCATCAACAGCAAAAA[CT>C]TCGACCGAGAGATTGGCCACAAAAACCCCAGGTGAGAGCCAGGCCCAAGGCCTGAGTGCA-3'

ClinVar aggregate classification (germline): Uncertain significance. Review status: criteria provided, multiple submitters, no conflicts (2 of 4 stars). 5 submissions from 5 submitters: Uncertain significance (5). Last evaluated 2026-08-06.

Conditions:
Arrhythmogenic right ventricular dysplasia 5. Also called: Arrhythmogenic Right Ventricular Dysplasia/Cardiomyopathy 5; ARRHYTHMOGENIC RIGHT VENTRICULAR DYSPLASIA, FAMILIAL, 5. Identifiers: MedGen C1858379, MONDO:0011459, OMIM 604400.
Emery-Dreifuss muscular dystrophy 7, autosomal dominant (EDMD7). Also called: Emery-Dreifuss muscular dystrophy 7, AD. Identifiers: Orphanet 261, MedGen C3553060, MONDO:0013677, OMIM 614302.

Submissions (5):

OLLIN Analises Genomicas, OLLIN
Classification: Uncertain significance for Emery-Dreifuss muscular dystrophy 7, autosomal dominant. Last evaluated: 2026-08-06. Review status: criteria provided, single submitter. Criteria: ACMG Guidelines 2015 PMID 25741868. Collection method: clinical testing. Allele origin: germline. Inheritance: Autosomal dominant inheritance.
Comment: This frameshift variant, located in exon 6 (of 12), has been reported in ClinVar (accession VCV001394392.11) and in gnomAD with an allele frequency of 0.000062%. However, to our knowledge, it has not been reported in the scientific literature. This variant causes a frameshift and introduces a premature stop codon, which is predicted to result in either a truncated protein or degradation of the mRNA via nonsense-mediated decay (NMD). According to the currently available evidence, this variant has been classified as uncertain significance (PM2_P).

Dasa
Classification: Uncertain significance. Last evaluated: 2026-01-07. Review status: criteria provided, single submitter. Criteria: DASA Assertion Criteria. Collection method: clinical testing. Allele origin: germline.
Comment: NM_024334.3(TMEM43):c.482del (p.Phe161SerfsTer46) is a frameshift variant in TMEM43 predicted to alter the reading frame and introduce a premature termination codon. This variant is rare in population databases. The currently available literature and clinical evidence are not sufficient to establish a definitive association between this variant and the reported condition. Therefore, this variant is classified as a variant of uncertain significance.

Labcorp Genetics (formerly Invitae), Labcorp
Classification: Uncertain significance for Arrhythmogenic right ventricular dysplasia 5. Last evaluated: 2025-03-31. Review status: criteria provided, single submitter. Criteria: Invitae Variant Classification Sherloc (09022015). Collection method: clinical testing. Allele origin: germline.
Comment: This sequence change creates a premature translational stop signal (p.Phe161Serfs*46) in the TMEM43 gene. It is expected to result in an absent or disrupted protein product. However, the current clinical and genetic evidence is not sufficient to establish whether loss-of-function variants in TMEM43 cause disease. This variant is not present in population databases (gnomAD no frequency). This variant has not been reported in the literature in individuals affected with TMEM43-related conditions. ClinVar contains an entry for this variant (Variation ID: 1394392). In summary, the available evidence is currently insufficient to determine the role of this variant in disease. Therefore, it has been classified as a Variant of Uncertain Significance.

All of Us Research Program, National Institutes of Health
Classification: Uncertain significance for Arrhythmogenic right ventricular dysplasia 5. Last evaluated: 2023-10-23. Review status: criteria provided, single submitter. Criteria: ACMG Guidelines, 2015. Collection method: clinical testing. Allele origin: germline. Inheritance: Autosomal dominant inheritance. Observed: 1 variant allele, 1 heterozygote.
Comment: This variant deletes 1 nucleotide in exon 6 of the TMEM43 gene, creating a frameshift and premature translation stop signal. This variant is expected to result in an absent or non-functional protein product. To our knowledge, this variant has not been reported in individuals affected with cardiovascular disorders in the literature. This variant has been identified in 1/251458 chromosomes in the general population by the Genome Aggregation Database (gnomAD). Clinical relevance of loss-of-function truncation and splice variants in the TMEM43 gene is not clearly established. The available evidence is insufficient to determine the role of this variant in disease conclusively. Therefore, this variant is classified as a Variant of Uncertain Significance.

This study involves interpretation of variants in research participants for the purpose of population health screening. Participant phenotype was not available at the time of variant classification. Additional details can be found in publication PMID: 35346344, PMCID: PMC8962531

Laboratorio de Genetica e Diagnostico Molecular, Hospital Israelita Albert Einstein
Classification: Uncertain significance. Last evaluated: 2020-02-25. Review status: criteria provided, single submitter. Criteria: ACMG Guidelines, 2015. Collection method: clinical testing. Allele origin: germline. Affected: yes.
Comment: ACMG classification criteria: PM2, PP3